The following is an entry in ClinVar:

ClinVar aggregate classification (germline): Likely pathogenic (1 of 4 stars; one submission).

Submission:

Labcorp Genetics (formerly Invitae), Labcorp
Classification: Likely pathogenic. Last evaluated: 2021-07-26. Review status: criteria provided, single submitter. Criteria: Invitae Variant Classification Sherloc (09022015). Collection method: clinical testing. Allele origin: germline.
Comment: This sequence change affects a splice site in intron 2 of the SCLT1 gene. It is expected to disrupt RNA splicing. Variants that disrupt the donor or acceptor splice site typically lead to a loss of protein function (PMID: 16199547), and loss-of-function variants in SCLT1 are known to be pathogenic (PMID: 28005958). This variant is not present in population databases (ExAC no frequency). This variant has not been reported in the literature in individuals affected with SCLT1-related conditions. Algorithms developed to predict the effect of sequence changes on RNA splicing suggest that this variant may disrupt the consensus splice site. In summary, the currently available evidence indicates that the variant is pathogenic, but additional data are needed to prove that conclusively. Therefore, this variant has been classified as Likely Pathogenic.

Literature cited by the submitters: PubMed 16199547; PubMed 28005958.

NM_144643.4(SCLT1):c.102+2del

Gene: SCLT1 (sodium channel and clathrin linker 1; minus strand). Cytogenetic location: 4q28.2.
Variant type: Deletion.
Coding change: c.102+2del on transcript NM_144643.4 (MANE Select); the canonical splice donor site of the intron after coding-DNA position 102, one base deleted (T; older notation c.102+2delT).
Molecular consequence: splice donor variant.
Genome position (GRCh38, 1-based): chr4:129,082,304, A deleted on the plus strand (T on the coding strand, the reverse complement: SCLT1 is on the minus strand). VCF-style (leftmost placement, unchanged base first): chr4-129082303-TA-T. GRCh37 (hg19) VCF-style: chr4-130003458-TA-T.
Other names: c.102+2del (NM_001410807.1, NM_001300898.2, NM_001300897.2).
Identifiers: ClinVar variation 1498600 (VCV001498600.6), dbSNP rs2125774645, ClinGen allele CA2573138019.